The following is an entry in ClinVar:

ClinVar aggregate classification (germline): Conflicting classifications of pathogenicity. Review status: criteria provided, conflicting classifications (1 of 4 stars). 5 submissions from 5 submitters: Uncertain significance (4); Benign (1). Last evaluated 2025-10-08.

Conditions:
Infantile cortical hyperostosis. Also called: Caffey Disease; P1PK BLOOD GROUP SYSTEM, P(2) PHENOTYPE; Hyperostosis, Cortical, Congenital. Identifiers: Orphanet 1310, MedGen C0020497, MONDO:0007244, OMIM 114000.
Osteogenesis imperfecta type III (OI3). Also called: Osteogenesis imperfecta type 3; OI type 3; Osteogenesis imperfecta, progressively deforming with normal sclerae; OI type III; Progressively Deforming Osteogenesis Imperfecta. Identifiers: Orphanet 216812, Orphanet 666, MedGen C0268362, MONDO:0009804, OMIM 259420.
Osteogenesis imperfecta, perinatal lethal (OI2). Also called: Osteogenesis imperfecta, dominant perinatal lethal; OSTEOGENESIS IMPERFECTA, TYPE II; OI, TYPE II; OSTEOGENESIS IMPERFECTA CONGENITA; VROLIK TYPE OF OSTEOGENESIS IMPERFECTA; Osteogenesis imperfecta type 2. Identifiers: Orphanet 216804, MedGen C0268358, MONDO:0008147, OMIM 166210.
Osteogenesis imperfecta with normal sclerae, dominant form (OI4). Also called: Osteogenesis Imperfecta Type IV; Common Variable Osteogenesis Imperfecta with Normal Sclerae; OSTEOGENESIS IMPERFECTA, TYPE IV, WITH DENTINOGENESIS IMPERFECTA; OSTEOGENESIS IMPERFECTA WITH NORMAL SCLERAE; Osteogenesis imperfecta type 4. Identifiers: Orphanet 216820, Orphanet 666, MedGen C0268363, MONDO:0008148, OMIM 166220.
Combined osteogenesis imperfecta and Ehlers-Danlos syndrome 1. Also called: OIEDS SYNDROME 1. Identifiers: MedGen C5436842, MONDO:0030854, OMIM 619115.
Osteoporosis. Identifiers: MedGen C0029456, MONDO:0005298, OMIM 166710, HP:0000939.
Osteogenesis imperfecta type I (OI1). Also called: Lobstein disease; Classic Non-deforming Osteogenesis Imperfecta with Blue Sclerae; OI, TYPE I; OSTEOGENESIS IMPERFECTA TARDA; OSTEOGENESIS IMPERFECTA WITH BLUE SCLERAE; Osteogenesis imperfecta type 1. Identifiers: Orphanet 216796, Orphanet 666, MedGen C0023931, MONDO:0008146, OMIM 166200. Disease mechanism: loss of function.
Ehlers-Danlos syndrome, arthrochalasia type. Also called: ARTHROCHALASIS MULTIPLEX CONGENITA; EDS VII, MUTANT PROCOLLAGEN TYPE; EDS VIIA; Ehlers-Danlos syndrome, arthrochalasia type, 1; Ehlers-Danlos syndrome, arthrochalasis type. Identifiers: Orphanet 1899, Orphanet 99875, Orphanet 99876, MedGen C4551623, MONDO:0007525, OMIM 130060.
Cardiovascular phenotype. Identifiers: MedGen CN230736.
COL1A1-related disorder. Also called: COL1A1- related disease; COL1A1-related condition.

Allele frequency attached by ClinVar (database versions not stated): gnomAD exomes 0.00001 and 0.00002; ExAC 0.00002; gnomAD 0.00006; TOPMed 0.00005.
gnomAD v4.1: 27 of 1,613,568 alleles (0.0017%); highest among the groups gnomAD compares: African/African-American, 0.019%; no homozygotes.

Submissions (5):

Labcorp Genetics (formerly Invitae), Labcorp
Classification: Benign for Osteogenesis imperfecta type I. Last evaluated: 2025-10-08. Review status: criteria provided, single submitter. Criteria: Invitae Variant Classification Sherloc (09022015). Collection method: clinical testing. Allele origin: germline.

Fulgent Genetics
Classification: Uncertain significance for Infantile cortical hyperostosis; Ehlers-Danlos syndrome, arthrochalasia type; Osteogenesis imperfecta type I; Osteogenesis imperfecta, perinatal lethal; Osteogenesis imperfecta with normal sclerae, dominant form; Osteoporosis; Osteogenesis imperfecta type III; Combined osteogenesis imperfecta and Ehlers-Danlos syndrome 1. Last evaluated: 2024-02-02. Review status: criteria provided, single submitter. Criteria: ACMG Guidelines, 2015. Collection method: clinical testing. Allele origin: germline.

Ambry Genetics
Classification: Uncertain significance for Cardiovascular phenotype. Last evaluated: 2023-09-19. Review status: criteria provided, single submitter. Criteria: Ambry Variant Classification Scheme 2023. Collection method: clinical testing. Allele origin: germline.
Comment: The p.R1260H variant (also known as c.3779G>A), located in coding exon 48 of the COL1A1 gene, results from a G to A substitution at nucleotide position 3779. The arginine at codon 1260 is replaced by histidine, an amino acid with highly similar properties. This amino acid position is highly conserved in available vertebrate species. In addition, the in silico prediction for this alteration is inconclusive. Since supporting evidence is limited at this time, the clinical significance of this alteration remains unclear.

GeneDx
Classification: Uncertain significance. Last evaluated: 2023-06-14. Review status: criteria provided, single submitter. Criteria: GeneDx Variant Classification Process June 2021. Collection method: clinical testing. Allele origin: germline. Affected: yes.
Comment: In silico analysis supports that this missense variant has a deleterious effect on protein structure/function; Not located in the triple helical region, where the majority of pathogenic missense variants occur (HGMD); Has not been previously published as pathogenic or benign to our knowledge

PreventionGenetics, part of Exact Sciences
Classification: Uncertain significance for COL1A1-related condition. Last evaluated: 2022-12-11. Review status: criteria provided, single submitter. Criteria: ACMG Guidelines, 2015. Collection method: clinical testing. Allele origin: germline.
Comment: The COL1A1 c.3779G>A variant is predicted to result in the amino acid substitution p.Arg1260His. To our knowledge, this variant has not been reported in the literature. This variant is reported in 0.019% of alleles in individuals of African descent in gnomAD. At this time, the clinical significance of this variant is uncertain due to the absence of conclusive functional and genetic evidence.

NM_000088.4(COL1A1):c.3779G>A (p.Arg1260His)

Gene: COL1A1 (collagen type I alpha 1 chain; minus strand). Cytogenetic location: 17q21.33.
Variant type: single nucleotide variant.
Coding change: c.3779G>A on transcript NM_000088.4 (MANE Select); coding-DNA position 3779, G replaced by A.
Protein change: p.Arg1260His; replaces arginine 1260 with histidine.
Molecular consequence: missense variant.
Genome position (GRCh38, 1-based): chr17:50,186,675, C>T on the plus strand (G>A on the coding strand, the complement: COL1A1 is on the minus strand). VCF-style: chr17-50186675-C-T. GRCh37 (hg19) VCF-style: chr17-48264036-C-T.
Other names: c.3779G>A (NM_000088.3); short protein forms R1260H.
Identifiers: ClinVar variation 1424024 (VCV001424024.11), dbSNP rs774001209, ClinGen allele CA8644350.